The following is an entry in ClinVar:

NM_018706.7(DHTKD1):c.1270ATT[1] (p.Ile425del)

Gene: DHTKD1 (dehydrogenase E1 and transketolase domain containing 1; plus strand). Cytogenetic location: 10p14.
Variant type: Microsatellite.
Coding change: c.1270ATT[1] on transcript NM_018706.7 (MANE Select); one copy of the 3-base unit ATT starting at c.1270; the reference has two copies in a row; one copy, 3 bases deleted.
Protein change: p.Ile425del; deletes isoleucine 425.
Genome position (GRCh38, 1-based): chr10:12,094,186-12,094,188, ATT deleted; deleting any 3 consecutive bases within chr10:12,094,183-12,094,188 gives the same sequence; the position shown is the placement nearest the transcript's 3' end. VCF-style (leftmost placement, unchanged base first): chr10-12094182-GATT-G. GRCh37 (hg19) VCF-style: chr10-12136181-GATT-G.
Other names: short protein forms I425del.
Identifiers: ClinVar variation 3659072 (VCV003659072.2).

ClinVar aggregate classification (germline): Uncertain significance (1 of 4 stars; one submission).

Conditions:
2-aminoadipic 2-oxoadipic aciduria (AAKAD). Also called: Aminoadipic aciduria; ALPHA-AMINOADIPIC AND ALPHA-KETOADIPIC ACIDURIA. Identifiers: Orphanet 79154, MedGen C1859817, MONDO:0008774, OMIM 204750.

Submission:

Labcorp Genetics (formerly Invitae), Labcorp
Classification: Uncertain significance for 2-aminoadipic 2-oxoadipic aciduria. Last evaluated: 2024-07-09. Review status: criteria provided, single submitter. Criteria: Invitae Variant Classification Sherloc (09022015). Collection method: clinical testing. Allele origin: germline.
Comment: This variant, c.1273_1275del, results in the deletion of 1 amino acid(s) of the DHTKD1 protein (p.Ile425del), but otherwise preserves the integrity of the reading frame. This variant is not present in population databases (gnomAD no frequency). This variant has not been reported in the literature in individuals affected with DHTKD1-related conditions. Experimental studies and prediction algorithms are not available or were not evaluated, and the functional significance of this variant is currently unknown. In summary, the available evidence is currently insufficient to determine the role of this variant in disease. Therefore, it has been classified as a Variant of Uncertain Significance.